The following is an entry in ClinVar:

ClinVar aggregate classification (germline): Uncertain significance. Review status: criteria provided, multiple submitters, no conflicts (2 of 4 stars). 2 submissions from 2 submitters: Uncertain significance (2). Last evaluated 2023-07-27.

Conditions:
Cystic fibrosis (CF). Also called: MUCOVISCIDOSIS. Identifiers: Orphanet 586, MedGen C0010674, MONDO:0009061, OMIM 219700. Disease mechanism: loss of function.

Allele frequency attached by ClinVar (database versions not stated): TOPMed below 0.00001; gnomAD exomes below 0.00001.
gnomAD v4.1: 1 of 1,612,416 alleles (0.000062%); highest among the groups gnomAD compares: African/African-American, 0.0013%; no homozygotes.

Submissions (2):

GeneDx
Classification: Uncertain significance. Last evaluated: 2023-07-27. Review status: criteria provided, single submitter. Criteria: GeneDx Variant Classification Process June 2021. Collection method: clinical testing. Allele origin: germline. Affected: yes.
Comment: Not observed at significant frequency in large population cohorts (gnomAD); In silico analysis supports that this missense variant does not alter protein structure/function; Has not been previously published as pathogenic or benign to our knowledge

Ambry Genetics
Classification: Uncertain significance for Cystic fibrosis. Last evaluated: 2022-11-18. Review status: criteria provided, single submitter. Criteria: Ambry Variant Classification Scheme 2023. Collection method: clinical testing. Allele origin: germline.
Comment: The p.I869S variant (also known as c.2606T>G), located in coding exon 15 of the CFTR gene, results from a T to G substitution at nucleotide position 2606. The isoleucine at codon 869 is replaced by serine, an amino acid with dissimilar properties. This amino acid position is conserved. In addition, the in silico prediction for this alteration is inconclusive. Since supporting evidence is limited at this time, the clinical significance of this alteration remains unclear.

NM_000492.4(CFTR):c.2606T>G (p.Ile869Ser)

Gene: CFTR (CF transmembrane conductance regulator; plus strand). Cytogenetic location: 7q31.2.
Variant type: single nucleotide variant.
Coding change: c.2606T>G on transcript NM_000492.4 (MANE Select); coding-DNA position 2606, T replaced by G.
Protein change: p.Ile869Ser; replaces isoleucine 869 with serine.
Molecular consequence: missense variant.
Genome position (GRCh38, 1-based): chr7:117,595,045, T>G. VCF-style: chr7-117595045-T-G. GRCh37 (hg19) VCF-style: chr7-117235099-T-G.
Other names: short protein forms I869S.
Identifiers: ClinVar variation 2447422 (VCV002447422.4), dbSNP rs1390324427, ClinGen allele CA368984056.